The following is an entry in ClinVar:

ClinVar aggregate classification (germline): Uncertain significance (1 of 4 stars; one submission).

Conditions:
Autoimmune lymphoproliferative syndrome, type III caused by mutation in PRKCD. Identifiers: Orphanet 3261, Orphanet 664711, MedGen C3809928, MONDO:8000024, OMIM 615559.

Allele frequency attached by ClinVar (database versions not stated): gnomAD exomes below 0.00001 and 0.00001.
gnomAD v4.1: 3 of 1,614,184 alleles (0.00019%); highest among the groups gnomAD compares: South Asian, 0.0033%; no homozygotes.

Submission:

Labcorp Genetics (formerly Invitae), Labcorp
Classification: Uncertain significance for Autoimmune lymphoproliferative syndrome, type III caused by mutation in PRKCD. Last evaluated: 2025-04-13. Review status: criteria provided, single submitter. Criteria: Invitae Variant Classification Sherloc (09022015). Collection method: clinical testing. Allele origin: germline.
Comment: This sequence change replaces cysteine, which is neutral and slightly polar, with tyrosine, which is neutral and polar, at codon 459 of the PRKCD protein (p.Cys459Tyr). This variant is present in population databases (no rsID available, gnomAD 0.006%). This variant has not been reported in the literature in individuals affected with PRKCD-related conditions. ClinVar contains an entry for this variant (Variation ID: 1463465). An algorithm developed to predict the effect of missense changes on protein structure and function (PolyPhen-2) suggests that this variant is likely to be disruptive. In summary, the available evidence is currently insufficient to determine the role of this variant in disease. Therefore, it has been classified as a Variant of Uncertain Significance.

NM_006254.4(PRKCD):c.1376G>A (p.Cys459Tyr)

Gene: PRKCD (protein kinase C delta; plus strand). Cytogenetic location: 3p21.1.
Variant type: single nucleotide variant.
Coding change: c.1376G>A on transcript NM_006254.4 (MANE Select); coding-DNA position 1376, G replaced by A.
Protein change: p.Cys459Tyr; replaces cysteine 459 with tyrosine.
Molecular consequence: missense variant.
Genome position (GRCh38, 1-based): chr3:53,187,363, G>A. VCF-style: chr3-53187363-G-A. GRCh37 (hg19) VCF-style: chr3-53221379-G-A.
Other names: c.1376G>A, p.Cys459Tyr (NM_001316327.2, NM_001354679.2, NM_001354680.2 and 1 more transcripts); c.1433G>A, p.Cys478Tyr (NM_001354676.2); c.1424G>A, p.Cys475Tyr (NM_001354678.2); short protein forms C475Y, C459Y, C478Y.
Identifiers: ClinVar variation 1463465 (VCV001463465.6), dbSNP rs1553669478, ClinGen allele CA353222775.